The following is an entry in ClinVar:

ClinVar aggregate classification (germline): Benign (1 of 4 stars; one submission).

Submission:

GeneDx
Classification: Benign. Last evaluated: 2018-06-19. Review status: criteria provided, single submitter. Criteria: GeneDx Variant Classification (06012015). Collection method: clinical testing. Allele origin: germline. Affected: yes.
Comment: This variant is considered likely benign or benign based on one or more of the following criteria: it is a conservative change, it occurs at a poorly conserved position in the protein, it is predicted to be benign by multiple in silico algorithms, and/or has population frequency not consistent with disease.

NM_152263.4(TPM3):c.567-104CT[5]

Gene: TPM3 (tropomyosin 3; minus strand). Cytogenetic location: 1q21.3.
Variant type: Microsatellite.
Coding change: c.567-104CT[5] on transcript NM_152263.4 (MANE Select); five copies in a row of the 2-base unit CT starting at c.567-104; the reference has four copies in a row; one copy, 2 bases duplicated.
Molecular consequence: intron variant.
Genome position (GRCh38, 1-based): chr1:154,171,585-154,171,586, AG duplicated on the plus strand (CT on the coding strand, the reverse complement: TPM3 is on the minus strand); duplicating any 2 consecutive bases within chr1:154,171,585-154,171,592 gives the same sequence; the position shown is the placement nearest the transcript's 3' end. VCF-style (leftmost placement, unchanged base first): chr1-154171584-T-TAG. GRCh37 (hg19) VCF-style: chr1-154144060-T-TAG.
Other names: c.567-104CT[5] (NM_001364679.2, NM_001364681.2); c.642+437CT[5] (NM_001364680.2, NM_001364682.1); c.333+437CT[5] (NM_001278188.2); c.456-104CT[5] (NM_001043351.2, NM_001043353.2, NM_001349679.2); c.531+437CT[5] (NM_001278190.2, NM_153649.4, NM_001043352.2 and 2 more transcripts); c.186-104CT[5] (NM_001278191.2).
Identifiers: ClinVar variation 670244 (VCV000670244.1), dbSNP rs5777891, ClinGen allele CA30769050.